The following is an entry in ClinVar:

ClinVar aggregate classification (germline): Uncertain significance (1 of 4 stars; one submission).

Submission:

Labcorp Genetics (formerly Invitae), Labcorp
Classification: Uncertain significance. Last evaluated: 2023-08-01. Review status: criteria provided, single submitter. Criteria: Invitae Variant Classification Sherloc (09022015). Collection method: clinical testing. Allele origin: germline.
Comment: In summary, the available evidence is currently insufficient to determine the role of this variant in disease. Therefore, it has been classified as a Variant of Uncertain Significance. An algorithm developed to predict the effect of missense changes on protein structure and function (PolyPhen-2) suggests that this variant is likely to be tolerated. This variant has not been reported in the literature in individuals affected with TCF20-related conditions. This variant is not present in population databases (gnomAD no frequency). This sequence change replaces leucine, which is neutral and non-polar, with valine, which is neutral and non-polar, at codon 1802 of the TCF20 protein (p.Leu1802Val).

NM_001378418.1(TCF20):c.5404C>G (p.Leu1802Val)

Gene: TCF20 (transcription factor 20; minus strand). Cytogenetic location: 22q13.2.
Variant type: single nucleotide variant.
Coding change: c.5404C>G on transcript NM_001378418.1 (MANE Select); coding-DNA position 5404, C replaced by G.
Protein change: p.Leu1802Val; replaces leucine 1802 with valine.
Molecular consequence: missense variant.
Genome position (GRCh38, 1-based): chr22:42,209,902, G>C on the plus strand (C>G on the coding strand, the complement: TCF20 is on the minus strand). VCF-style: chr22-42209902-G-C. GRCh37 (hg19) VCF-style: chr22-42605908-G-C.
Other names: c.5404C>G, p.Leu1802Val (NM_005650.4, NM_181492.3); short protein forms L1802V.
Identifiers: ClinVar variation 2776282 (VCV002776282.3), dbSNP rs2518198880, ClinGen allele CA411781510.